The following is an entry in ClinVar:

ClinVar aggregate classification (germline): Benign (1 of 4 stars; one submission).

Conditions:
Disorders of Intracellular Cobalamin Metabolism. Identifiers: MedGen CN043592.

Allele frequency attached by ClinVar (database versions not stated): gnomAD 0.00465 and 0.00493; TOPMed 0.00538; 1000 Genomes Project 30x 0.00656; 1000 Genomes Project 0.00659.

Submission:

Illumina Laboratory Services, Illumina
Classification: Benign for Disorders of Intracellular Cobalamin Metabolism. Last evaluated: 2018-01-13. Review status: criteria provided, single submitter. Criteria: ICSL Variant Classification Criteria 13 December 2019. Collection method: clinical testing. Allele origin: germline.
Comment: This variant was observed in the ICSL laboratory as part of a predisposition screen in an ostensibly healthy population. It had not been previously curated by ICSL or reported in the Human Gene Mutation Database (HGMD: prior to June 1st, 2018), and was therefore a candidate for classification through an automated scoring system. Utilizing variant allele frequency, disease prevalence and penetrance estimates, and inheritance mode, an automated score was calculated to assess if this variant is too frequent to cause the disease. Based on the score and internal cut-off values, a variant classified as benign is not then subjected to further curation. The score for this variant resulted in a classification of benign for this disease.

NM_000254.3(MTR):c.*4097C>T

Gene: MTR (5-methyltetrahydrofolate-homocysteine methyltransferase; plus strand). Cytogenetic location: 1q43.
Variant type: single nucleotide variant.
Coding change: c.*4097C>T on transcript NM_000254.3 (MANE Select); 4097 bases downstream of the stop codon, C replaced by T.
Molecular consequence: 3 prime UTR variant.
Genome position (GRCh38, 1-based): chr1:236,901,741, C>T. VCF-style: chr1-236901741-C-T. GRCh37 (hg19) VCF-style: chr1-237065041-C-T.
Other names: c.*4097C>T (NM_001291939.1, NM_001291940.2).
Identifiers: ClinVar variation 874890 (VCV000874890.4), dbSNP rs11803836, ClinGen allele CA39768644.